The following is an entry in ClinVar:

ClinVar aggregate classification (germline): Uncertain significance. Review status: criteria provided, multiple submitters, no conflicts (2 of 4 stars). 2 submissions from 2 submitters: Uncertain significance (2). Last evaluated 2025-05-25.

Conditions:
Hereditary cancer-predisposing syndrome. Also called: Hereditary Cancer Syndrome; Hereditary neoplastic syndrome; Tumor predisposition; Neoplastic Syndromes, Hereditary. Identifiers: Orphanet 140162, MedGen C0027672, MeSH D009386, MONDO:0015356.
Oligodontia-cancer predisposition syndrome. Also called: TOOTH AGENESIS-COLORECTAL CANCER SYNDROME. Identifiers: Orphanet 300576, MedGen C1837750, MONDO:0012075, OMIM 608615. Disease mechanism: loss of function.

Allele frequency attached by ClinVar (database versions not stated): TOPMed below 0.00001.

Submissions (2):

Labcorp Genetics (formerly Invitae), Labcorp
Classification: Uncertain significance for Oligodontia-cancer predisposition syndrome. Last evaluated: 2025-05-25. Review status: criteria provided, single submitter. Criteria: Invitae Variant Classification Sherloc (09022015). Collection method: clinical testing. Allele origin: germline.
Comment: This sequence change replaces aspartic acid, which is acidic and polar, with histidine, which is basic and polar, at codon 268 of the AXIN2 protein (p.Asp268His). This variant is not present in population databases (gnomAD no frequency). This variant has not been reported in the literature in individuals affected with AXIN2-related conditions. ClinVar contains an entry for this variant (Variation ID: 1400290). Invitae Evidence Modeling of protein sequence and biophysical properties (such as structural, functional, and spatial information, amino acid conservation, physicochemical variation, residue mobility, and thermodynamic stability) indicates that this missense variant is not expected to disrupt AXIN2 protein function with a negative predictive value of 80%. In summary, the available evidence is currently insufficient to determine the role of this variant in disease. Therefore, it has been classified as a Variant of Uncertain Significance.

Ambry Genetics
Classification: Uncertain significance for Hereditary cancer-predisposing syndrome. Last evaluated: 2024-12-15. Review status: criteria provided, single submitter. Criteria: Ambry Variant Classification Scheme 2023. Collection method: clinical testing. Allele origin: germline.
Comment: The p.D268H variant (also known as c.802G>C), located in coding exon 1 of the AXIN2 gene, results from a G to C substitution at nucleotide position 802. The aspartic acid at codon 268 is replaced by histidine, an amino acid with similar properties. This amino acid position is conserved. In addition, this alteration is predicted to be tolerated by in silico analysis. Based on the available evidence, the clinical significance of this variant remains unclear.

NM_004655.4(AXIN2):c.802G>C (p.Asp268His)

Gene: AXIN2 (axin 2; minus strand). Cytogenetic location: 17q24.1.
Variant type: single nucleotide variant.
Coding change: c.802G>C on transcript NM_004655.4 (MANE Select); coding-DNA position 802, G replaced by C.
Protein change: p.Asp268His; replaces aspartic acid 268 with histidine.
Molecular consequence: missense variant.
Genome position (GRCh38, 1-based): chr17:65,557,819, C>G on the plus strand (G>C on the coding strand, the complement: AXIN2 is on the minus strand). VCF-style: chr17-65557819-C-G. GRCh37 (hg19) VCF-style: chr17-63553937-C-G.
Other names: c.802G>C, p.Asp268His (NM_001363813.1); c.802G>C (NM_004655.3); short protein forms D268H.
Identifiers: ClinVar variation 1400290 (VCV001400290.7), dbSNP rs745659837, ClinGen allele CA400680220.